The following is an entry in ClinVar:

ClinVar aggregate classification (germline): Likely benign (1 of 4 stars; one submission).

Allele frequency attached by ClinVar (database versions not stated): ESP Exome Variant Server 0.00008; gnomAD 0.00029; TOPMed 0.00034; ExAC 0.00035.
gnomAD v4.1: 533 of 1,613,602 alleles (0.033%); highest among the groups gnomAD compares: Non-Finnish European, 0.04%; no homozygotes.

Submission:

CeGaT Center for Human Genetics Tuebingen
Classification: Likely benign. Last evaluated: 2025-05-01. Review status: criteria provided, single submitter. Criteria: CeGaT Center For Human Genetics Tuebingen Variant Classification Criteria Version 2. Collection method: clinical testing. Allele origin: germline. Affected: yes. Observed: 7 variant alleles.
Comment: ZNF292: BP4, BP7

NM_015021.3(ZNF292):c.2112G>A (p.Gly704=)

Gene: ZNF292 (zinc finger protein 292; plus strand). Cytogenetic location: 6q14.3.
Variant type: single nucleotide variant.
Coding change: c.2112G>A on transcript NM_015021.3 (MANE Select); coding-DNA position 2112, G replaced by A.
Protein change: p.Gly704=; no amino-acid change (glycine 704 retained).
Molecular consequence: synonymous variant.
Genome position (GRCh38, 1-based): chr6:87,255,741, G>A. VCF-style: chr6-87255741-G-A. GRCh37 (hg19) VCF-style: chr6-87965459-G-A.
Other names: c.1692G>A, p.Gly564= (NM_001351444.2).
Identifiers: ClinVar variation 1879668 (VCV001879668.29), dbSNP rs375509766, ClinGen allele CA3913919.